The following is an entry in ClinVar:

ClinVar aggregate classification (germline): Uncertain significance. Review status: criteria provided, multiple submitters, no conflicts (2 of 4 stars). 2 submissions from 2 submitters: Uncertain significance (2). Last evaluated 2026-02-27.

Conditions:
MCHR1-related disorder. Also called: MCHR1-related condition.

Allele frequency attached by ClinVar (database versions not stated): gnomAD 0.00003; gnomAD exomes 0.00003; TOPMed 0.00003; ExAC 0.00007; ESP Exome Variant Server 0.00008; 1000 Genomes Project 30x 0.00016; 1000 Genomes Project 0.00020.

Submissions (2):

PreventionGenetics, part of Exact Sciences
Classification: Uncertain significance for MCHR1-related condition. Last evaluated: 2026-02-27. Review status: criteria provided, single submitter. Criteria: ACMG Guidelines, 2015. Collection method: clinical testing. Allele origin: germline.
Comment: The MCHR1 c.1181C>T variant is predicted to result in the amino acid substitution p.Ser394Leu. To our knowledge, this variant has not been reported in the literature. This variant is reported in 0.020% of alleles in individuals of Ashkenazi Jewish descent in gnomAD. At this time, the clinical significance of this variant is uncertain due to the absence of conclusive functional and genetic evidence.

Ambry Genetics
Classification: Uncertain significance. Last evaluated: 2025-11-20. Review status: criteria provided, single submitter. Criteria: Ambry Variant Classification Scheme 2023. Collection method: clinical testing. Allele origin: germline.

NM_005297.4(MCHR1):c.974C>T (p.Ser325Leu)

Gene: MCHR1 (melanin concentrating hormone receptor 1; plus strand). Cytogenetic location: 22q13.2.
Variant type: single nucleotide variant.
Coding change: c.974C>T on transcript NM_005297.4 (MANE Select); coding-DNA position 974, C replaced by T.
Protein change: p.Ser325Leu; replaces serine 325 with leucine.
Molecular consequence: missense variant.
Genome position (GRCh38, 1-based): chr22:40,681,840, C>T. VCF-style: chr22-40681840-C-T. GRCh37 (hg19) VCF-style: chr22-41077844-C-T.
Other names: short protein forms S325L.
Identifiers: ClinVar variation 2205429 (VCV002205429.4), dbSNP rs199555247, ClinGen allele CA10250386.